The following is an entry in ClinVar:

NM_152564.5(VPS13B):c.7453T>G (p.Phe2485Val)

Gene: VPS13B (vacuolar protein sorting 13 homolog B; plus strand). Cytogenetic location: 8q22.2.
Variant type: single nucleotide variant.
Coding change: c.7453T>G on transcript NM_152564.5 (MANE Select); coding-DNA position 7453, T replaced by G.
Protein change: p.Phe2485Val; replaces phenylalanine 2485 with valine.
Molecular consequence: missense variant.
Genome position (GRCh38, 1-based): chr8:99,778,705, T>G. VCF-style: chr8-99778705-T-G. GRCh37 (hg19) VCF-style: chr8-100790933-T-G.
Other names: c.7528T>G, p.Phe2510Val (NM_017890.5); short protein forms F2485V, F2510V.
Identifiers: ClinVar variation 3658993 (VCV003658993.2).

ClinVar aggregate classification (germline): Uncertain significance (1 of 4 stars; one submission).

Conditions:
Cohen syndrome (COH1). Also called: PEPPER SYNDROME; Cutis verticis gyrata, retinitis pigmentosa, and sensorineural deafness. Identifiers: Orphanet 193, MedGen C0265223, MONDO:0008999, OMIM 216550.

Submission:

Labcorp Genetics (formerly Invitae), Labcorp
Classification: Uncertain significance for Cohen syndrome. Last evaluated: 2024-07-08. Review status: criteria provided, single submitter. Criteria: Invitae Variant Classification Sherloc (09022015). Collection method: clinical testing. Allele origin: germline.
Comment: This sequence change replaces phenylalanine, which is neutral and non-polar, with valine, which is neutral and non-polar, at codon 2510 of the VPS13B protein (p.Phe2510Val). This variant is not present in population databases (gnomAD no frequency). This variant has not been reported in the literature in individuals affected with VPS13B-related conditions. Advanced modeling of protein sequence and biophysical properties (such as structural, functional, and spatial information, amino acid conservation, physicochemical variation, residue mobility, and thermodynamic stability) performed at Invitae indicates that this missense variant is expected to disrupt VPS13B protein function with a positive predictive value of 80%. In summary, the available evidence is currently insufficient to determine the role of this variant in disease. Therefore, it has been classified as a Variant of Uncertain Significance.